The following is an entry in ClinVar:

NM_022081.6(HPS4):c.673_686del

Gene: HPS4 (HPS4 biogenesis of lysosomal organelles complex 3 subunit 2; minus strand). Cytogenetic location: 22q12.1.
Variant type: Deletion.
Coding change: c.673_686del on transcript NM_022081.6 (MANE Select); coding-DNA positions 673 to 686, 14 bases deleted (CTCCCTACGGGAGA).
Genome position (GRCh38, 1-based): chr22:26,466,246-26,466,259, TCTCCCGTAGGGAG deleted on the plus strand (CTCCCTACGGGAGA on the coding strand, the reverse complement: HPS4 is on the minus strand); deleting any 14 consecutive bases within chr22:26,466,246-26,466,263 gives the same sequence; the c. name uses the placement nearest the transcript's 3' end. VCF-style (leftmost placement, unchanged base first): chr22-26466245-CTCTCCCGTAGGGAG-C. GRCh37 (hg19) VCF-style: chr22-26862211-CTCTCCCGTAGGGAG-C.
Identifiers: ClinVar variation 2676132 (VCV002676132.3), dbSNP rs2518285878, ClinGen allele CA2655896617.

ClinVar aggregate classification (germline): Pathogenic/Likely pathogenic. Review status: criteria provided, multiple submitters, no conflicts (2 of 4 stars). 2 submissions from 2 submitters: Pathogenic (1); Likely pathogenic (1). Last evaluated 2024-04-25.

Conditions:
Hermansky-Pudlak syndrome 4 (HPS4). Identifiers: Orphanet 231500, Orphanet 79430, MedGen C3484357, MONDO:0013556, OMIM 614073.

Submissions (2):

Labcorp Genetics (formerly Invitae), Labcorp
Classification: Pathogenic. Last evaluated: 2024-04-25. Review status: criteria provided, single submitter. Criteria: Invitae Variant Classification Sherloc (09022015). Collection method: clinical testing. Allele origin: germline.
Comment: This sequence change creates a premature translational stop signal (p.Leu225Glyfs*28) in the HPS4 gene. It is expected to result in an absent or disrupted protein product. Loss-of-function variants in HPS4 are known to be pathogenic (PMID: 12664304). This variant is not present in population databases (gnomAD no frequency). This variant has not been reported in the literature in individuals affected with HPS4-related conditions. For these reasons, this variant has been classified as Pathogenic.

Baylor Genetics
Classification: Likely pathogenic for Hermansky-Pudlak syndrome 4. Last evaluated: 2023-01-09. Review status: criteria provided, single submitter. Criteria: ACMG Guidelines, 2015. Collection method: clinical testing. Allele origin: unknown.

Literature cited by the submitters: PubMed 12664304 (cited by Labcorp Genetics (formerly Invitae), Labcorp).